The following is an entry in ClinVar:

NM_001243925.2(MAPKAPK3):c.89G>T (p.Gly30Val)

Gene: MAPKAPK3 (MAPK activated protein kinase 3; plus strand). Cytogenetic location: 3p21.2.
Variant type: single nucleotide variant.
Coding change: c.89G>T on transcript NM_001243925.2 (MANE Select); coding-DNA position 89, G replaced by T.
Protein change: p.Gly30Val; replaces glycine 30 with valine.
Molecular consequence: missense variant.
Genome position (GRCh38, 1-based): chr3:50,617,654, G>T. VCF-style: chr3-50617654-G-T. GRCh37 (hg19) VCF-style: chr3-50655085-G-T.
Other names: c.89G>T, p.Gly30Val (NM_001243926.2, NM_004635.5); short protein forms G30V.
Identifiers: ClinVar variation 3011222 (VCV003011222.3), dbSNP rs1027886642, ClinGen allele CA352961444.

ClinVar aggregate classification (germline): Uncertain significance (1 of 4 stars; one submission).

gnomAD v4.1: 15 of 1,610,588 alleles (0.00093%); highest among the groups gnomAD compares: East Asian, 0.0022%; no homozygotes.

Submission:

Labcorp Genetics (formerly Invitae), Labcorp
Classification: Uncertain significance. Last evaluated: 2023-09-30. Review status: criteria provided, single submitter. Criteria: Invitae Variant Classification Sherloc (09022015). Collection method: clinical testing. Allele origin: germline.
Comment: This variant is not present in population databases (gnomAD no frequency). This sequence change replaces glycine, which is neutral and non-polar, with valine, which is neutral and non-polar, at codon 30 of the MAPKAPK3 protein (p.Gly30Val). This variant has not been reported in the literature in individuals affected with MAPKAPK3-related conditions. In summary, the available evidence is currently insufficient to determine the role of this variant in disease. Therefore, it has been classified as a Variant of Uncertain Significance. Algorithms developed to predict the effect of missense changes on protein structure and function output the following: SIFT: "Not Available"; PolyPhen-2: "Benign"; Align-GVGD: "Not Available". The valine amino acid residue is found in multiple mammalian species, which suggests that this missense change does not adversely affect protein function.